The following is an entry in ClinVar:

NM_001242896.3(DEPDC5):c.2666C>T (p.Thr889Ile)

Gene: DEPDC5 (DEP domain containing 5, GATOR1 subcomplex subunit; plus strand). Cytogenetic location: 22q12.3.
Variant type: single nucleotide variant.
Coding change: c.2666C>T on transcript NM_001242896.3 (MANE Select); coding-DNA position 2666, C replaced by T.
Protein change: p.Thr889Ile; replaces threonine 889 with isoleucine.
Molecular consequence: missense variant. On other transcripts: non-coding transcript variant (5).
Genome position (GRCh38, 1-based): chr22:31,843,677, C>T. VCF-style: chr22-31843677-C-T. GRCh37 (hg19) VCF-style: chr22-32239663-C-T.
Other names: c.2639C>T, p.Thr880Ile (NM_001136029.4, NM_001369903.1, NM_014662.6); c.2432C>T, p.Thr811Ile (NM_001242897.2, NM_001363854.2, NM_001364319.2); c.2666C>T, p.Thr889Ile (NM_001363852.2, NM_001364318.2, NM_001364320.2); c.2582C>T, p.Thr861Ile (NM_001369901.1, NM_001369902.1); short protein forms T811I, T861I, T880I, T889I.
Identifiers: ClinVar variation 1339014 (VCV001339014.8), dbSNP rs2149008846, ClinGen allele CA411289699.

ClinVar aggregate classification (germline): Uncertain significance. Review status: criteria provided, multiple submitters, no conflicts (2 of 4 stars). 2 submissions from 2 submitters: Uncertain significance (2). Last evaluated 2021-09-04.

Conditions:
Familial focal epilepsy with variable foci (FPEVF). Identifiers: Orphanet 98820, MedGen C1858477, MONDO:0020310.
Epilepsy, familial focal, with variable foci 1 (FFEVF1). Also called: DEPDC5-Related Epilepsy. Identifiers: MedGen C4551983, MONDO:0024556, OMIM 604364.

Submissions (2):

Labcorp Genetics (formerly Invitae), Labcorp
Classification: Uncertain significance for Familial focal epilepsy with variable foci. Last evaluated: 2021-09-04. Review status: criteria provided, single submitter. Criteria: Invitae Variant Classification Sherloc (09022015). Collection method: clinical testing. Allele origin: germline.
Comment: In summary, the available evidence is currently insufficient to determine the role of this variant in disease. Therefore, it has been classified as a Variant of Uncertain Significance. This sequence change replaces threonine with isoleucine at codon 889 of the DEPDC5 protein (p.Thr889Ile). The threonine residue is highly conserved and there is a moderate physicochemical difference between threonine and isoleucine. This variant is not present in population databases (ExAC no frequency). This variant has not been reported in the literature in individuals affected with DEPDC5-related conditions. Algorithms developed to predict the effect of missense changes on protein structure and function are either unavailable or do not agree on the potential impact of this missense change (SIFT: "Deleterious"; PolyPhen-2: "Not Available"; Align-GVGD: "Class C0").

Neuberg Centre For Genomic Medicine, NCGM
Classification: Uncertain significance for Epilepsy, familial focal, with variable foci 1. Review status: criteria provided, single submitter. Criteria: ACMG Guidelines, 2015. Collection method: clinical testing. Allele origin: germline. Affected: yes.
Comment: The missense variant p.T889I in DEPDC5 (NM_001242896.3) has not been reported previously as a pathogenic variant nor as a benign variant, to our knowledge. The p.T889I variant is novel (not in any individuals) in gnomAD Exomes and is novel (not in any individuals) in 1000 Genomes. The p.T889I missense variant is predicted to be damaging by both SIFT and PolyPhen2. The nucleotide c.2666 in DEPDC5 is predicted conserved by GERP++ and PhyloP across 100 vertebrates. For these reasons, this variant has been classified as Uncertain Significance.